The following is an entry in ClinVar:

NM_152592.6(SYNE3):c.1119A>G (p.Ala373=)

Gene: SYNE3 (spectrin repeat containing nuclear envelope family member 3; minus strand). Cytogenetic location: 14q32.13.
Variant type: single nucleotide variant.
Coding change: c.1119A>G on transcript NM_152592.6 (MANE Select); coding-DNA position 1119, A replaced by G.
Protein change: p.Ala373=; no amino-acid change (alanine 373 retained).
Molecular consequence: synonymous variant.
Genome position (GRCh38, 1-based): chr14:95,455,395, T>C on the plus strand (A>G on the coding strand, the complement: SYNE3 is on the minus strand). VCF-style: chr14-95455395-T-C. GRCh37 (hg19) VCF-style: chr14-95921732-T-C.
Other names: c.1119A>G, p.Ala373= (NM_001363692.2, NM_001384281.1, NM_001384282.1 and 1 more transcripts); c.1143A>G, p.Ala381= (NM_001384283.1).
Identifiers: ClinVar variation 2644497 (VCV002644497.24), dbSNP rs776715451, ClinGen allele CA7333367.
Genomic context (GRCh38, chr14:95,455,395, plus strand): 5'-AGACAGCACCCTGGGCTCCATGACTCGGCCAAGCACGCTTACCGAGTAGCGTCTCCAGTG[T>C]GCCACCAGCTCGTCCTCGGTCCCCGCTTTCGCCGCAGGCTGCAGGCCCTCCTGGGCCAGC-3'
Protein context (NP_689805.3, residues 363-383): AKAGTEDELV[Ala373=]HWRRYSATRA

ClinVar aggregate classification (germline): Likely benign (1 of 4 stars; one submission).

Allele frequency attached by ClinVar (database versions not stated): ExAC 0.00001.
gnomAD v4.1: 2 of 1,548,536 alleles (0.00013%); highest among the groups gnomAD compares: Non-Finnish European, 0.00017%; no homozygotes.

Submission:

CeGaT Center for Human Genetics Tuebingen
Classification: Likely benign. Last evaluated: 2022-06-01. Review status: criteria provided, single submitter. Criteria: CeGaT Center For Human Genetics Tuebingen Variant Classification Criteria Version 2. Collection method: clinical testing. Allele origin: germline. Affected: yes. Observed: 1 variant allele.
Comment: SYNE3: PM2:Supporting, BP4, BP7